The following is an entry in ClinVar:

NM_021020.5(LZTS1):c.688C>G (p.Leu230Val)

Gene: LZTS1 (leucine zipper tumor suppressor 1; minus strand). Cytogenetic location: 8p21.3.
Variant type: single nucleotide variant.
Coding change: c.688C>G on transcript NM_021020.5 (MANE Select); coding-DNA position 688, C replaced by G.
Protein change: p.Leu230Val; replaces leucine 230 with valine.
Molecular consequence: missense variant.
Genome position (GRCh38, 1-based): chr8:20,253,243, G>C on the plus strand (C>G on the coding strand, the complement: LZTS1 is on the minus strand). VCF-style: chr8-20253243-G-C. GRCh37 (hg19) VCF-style: chr8-20110754-G-C.
Other names: c.688C>G, p.Leu230Val (NM_001362884.2); short protein forms L230V.
Identifiers: ClinVar variation 4739730 (VCV004739730.1).

ClinVar aggregate classification (germline): Uncertain significance (1 of 4 stars; one submission).

Submission:

Labcorp Genetics (formerly Invitae), Labcorp
Classification: Uncertain significance. Last evaluated: 2025-06-10. Review status: criteria provided, single submitter. Criteria: Invitae Variant Classification Sherloc (09022015). Collection method: clinical testing. Allele origin: germline.
Comment: This sequence change replaces leucine, which is neutral and non-polar, with valine, which is neutral and non-polar, at codon 230 of the LZTS1 protein (p.Leu230Val). This variant is not present in population databases (gnomAD no frequency). This variant has not been reported in the literature in individuals affected with LZTS1-related conditions. Invitae Evidence Modeling of protein sequence and biophysical properties (such as structural, functional, and spatial information, amino acid conservation, physicochemical variation, residue mobility, and thermodynamic stability) indicates that this missense variant is not expected to disrupt LZTS1 protein function with a negative predictive value of 80%. In summary, the available evidence is currently insufficient to determine the role of this variant in disease. Therefore, it has been classified as a Variant of Uncertain Significance.